The following is an entry in ClinVar:

NM_015158.5(KANK1):c.3880G>A (p.Gly1294Ser)

Gene: KANK1 (KN motif and ankyrin repeat domains 1; plus strand). Cytogenetic location: 9p24.3.
Variant type: single nucleotide variant.
Coding change: c.3880G>A on transcript NM_015158.5 (MANE Select); coding-DNA position 3880, G replaced by A.
Protein change: p.Gly1294Ser; replaces glycine 1294 with serine.
Molecular consequence: missense variant. On other transcripts: non-coding transcript variant (1).
Genome position (GRCh38, 1-based): chr9:742,388, G>A. VCF-style: chr9-742388-G-A. GRCh37 (hg19) VCF-style: chr9-742388-G-A.
Other names: c.3880G>A (NM_015158.2); c.3880G>A, p.Gly1294Ser (NM_001256876.3, NM_001256877.3, NM_001354334.2); c.3640G>A, p.Gly1214Ser (NM_001354331.2); c.3826G>A, p.Gly1276Ser (NM_001354332.2); c.3406G>A, p.Gly1136Ser (NM_001354333.2, NM_001354335.2, NM_001354337.2 and 2 more transcripts); c.3112G>A, p.Gly1038Ser (NM_001354336.2); c.3352G>A, p.Gly1118Ser (NM_001354338.2, NM_001354340.2, NM_001354344.2); c.3166G>A, p.Gly1056Ser (NM_001354339.2, NM_001354342.2, NM_001354343.2); short protein forms G1056S, G1214S, G1136S, G1118S, G1276S, G1038S, G1294S.
Identifiers: ClinVar variation 1422842 (VCV001422842.9), dbSNP rs140893133, ClinGen allele CA4961210.
Genomic context (GRCh38, chr9:742,388, plus strand): 5'-GCCAGCGAGCACGGACACGTGGAGATTGTCAAGCTGCTGCTGGCCCAGCCCGGCTGCAAC[G>A]GTCACCTAGAGGACAACGTAAGCTGTCTCCATTGGGCCTCCTGGCCAGGGGTCTGGGGGA-3'
Protein context (NP_055973.2, residues 1284-1304): KLLLAQPGCN[Gly1294Ser]HLEDNDGSTA

ClinVar aggregate classification (germline): Conflicting classifications of pathogenicity. Review status: criteria provided, conflicting classifications (1 of 4 stars). 4 submissions from 4 submitters: Uncertain significance (3); Likely benign (1). Last evaluated 2026-05-01.

Conditions:
Cerebral palsy, spastic quadriplegic, 2 (CPSQ2). Identifiers: Orphanet 210141, MedGen C2752061, MONDO:0013033, OMIM 612900.

Allele frequency attached by ClinVar (database versions not stated): gnomAD exomes 0.00061 and 0.00123; ExAC 0.00063; gnomAD 0.00070 and 0.00071; TOPMed 0.00077; ESP Exome Variant Server 0.00123.
gnomAD v4.1: 1,929 of 1,613,416 alleles (0.12%); highest among the groups gnomAD compares: Non-Finnish European, 0.15%; 5 homozygotes.

Submissions (4):

CeGaT Center for Human Genetics Tuebingen
Classification: Likely benign. Last evaluated: 2026-05-01. Review status: criteria provided, single submitter. Criteria: CeGaT Center For Human Genetics Tuebingen Variant Classification Criteria Version 2. Collection method: clinical testing. Allele origin: germline. Affected: yes. Observed: 1 variant allele.
Comment: KANK1: BP4

Labcorp Genetics (formerly Invitae), Labcorp
Classification: Uncertain significance. Last evaluated: 2024-10-29. Review status: criteria provided, single submitter. Criteria: Invitae Variant Classification Sherloc (09022015). Collection method: clinical testing. Allele origin: germline.
Comment: This sequence change replaces glycine, which is neutral and non-polar, with serine, which is neutral and polar, at codon 1294 of the KANK1 protein (p.Gly1294Ser). This variant is present in population databases (rs140893133, gnomAD 0.1%), and has an allele count higher than expected for a pathogenic variant. This variant has not been reported in the literature in individuals affected with KANK1-related conditions. ClinVar contains an entry for this variant (Variation ID: 1422842). An algorithm developed to predict the effect of missense changes on protein structure and function outputs the following: PolyPhen-2: "Benign". The serine amino acid residue is found in multiple mammalian species, which suggests that this missense change does not adversely affect protein function. In summary, the available evidence is currently insufficient to determine the role of this variant in disease. Therefore, it has been classified as a Variant of Uncertain Significance.

Fulgent Genetics
Classification: Uncertain significance for Cerebral palsy, spastic quadriplegic, 2. Last evaluated: 2022-03-05. Review status: criteria provided, single submitter. Criteria: ACMG Guidelines, 2015. Collection method: clinical testing. Allele origin: unknown.

Ambry Genetics
Classification: Uncertain significance. Last evaluated: 2021-10-06. Review status: criteria provided, single submitter. Criteria: Ambry Variant Classification Scheme 2023. Collection method: clinical testing. Allele origin: germline.